The following is an entry in ClinVar:

ClinVar aggregate classification (germline): Likely benign (1 of 4 stars; one submission).

Conditions:
Renal hypomagnesemia 4. Also called: HYPOMAGNESEMIA, RENAL, NORMOCALCIURIC. Identifiers: Orphanet 34527, MedGen C2673648, MONDO:0012717, OMIM 611718.

Allele frequency attached by ClinVar (database versions not stated): TOPMed below 0.00001; gnomAD 0.00004; gnomAD exomes 0.00009; 1000 Genomes Project 30x 0.00047; 1000 Genomes Project 0.00060.
gnomAD v4.1: 137 of 1,593,266 alleles (0.0086%); highest among the groups gnomAD compares: East Asian, 0.31%; 1 homozygote.

Submission:

Illumina Laboratory Services, Illumina
Classification: Likely benign for Renal hypomagnesemia 4. Last evaluated: 2018-01-13. Review status: criteria provided, single submitter. Criteria: ICSL Variant Classification Criteria 13 December 2019. Collection method: clinical testing. Allele origin: germline.
Comment: This variant was observed in the ICSL laboratory as part of a predisposition screen in an ostensibly healthy population. It had not been previously curated by ICSL or reported in the Human Gene Mutation Database (HGMD: prior to June 1st, 2018), and was therefore a candidate for classification through an automated scoring system. Utilizing variant allele frequency, disease prevalence and penetrance estimates, and inheritance mode, an automated score was calculated to assess if this variant is too frequent to cause the disease. Based on the score and internal cut-off values, a variant classified as likely benign is not then subjected to further curation. The score for this variant resulted in a classification of likely benign for this disease.

NM_001963.6(EGF):c.-78A>G

Gene: EGF (epidermal growth factor; plus strand). Cytogenetic location: 4q25.
Variant type: single nucleotide variant.
Coding change: c.-78A>G on transcript NM_001963.6 (MANE Select); 78 bases upstream of the start codon, A replaced by G.
Molecular consequence: 5 prime UTR variant.
Genome position (GRCh38, 1-based): chr4:109,913,258, A>G. VCF-style: chr4-109913258-A-G. GRCh37 (hg19) VCF-style: chr4-110834414-A-G.
Other names: c.-78A>G (NM_001178130.3, NM_001178131.3, NM_001357021.2).
Identifiers: ClinVar variation 903586 (VCV000903586.4), dbSNP rs149835886, ClinGen allele CA103746396.